The following is an entry in ClinVar:

NM_015559.3(SETBP1):c.1492C>G (p.Arg498Gly)

Gene: SETBP1 (SET binding protein 1; plus strand). Cytogenetic location: 18q12.3.
Variant type: single nucleotide variant.
Coding change: c.1492C>G on transcript NM_015559.3 (MANE Select); coding-DNA position 1492, C replaced by G.
Protein change: p.Arg498Gly; replaces arginine 498 with glycine.
Molecular consequence: missense variant.
Genome position (GRCh38, 1-based): chr18:44,950,832, C>G. VCF-style: chr18-44950832-C-G. GRCh37 (hg19) VCF-style: chr18-42530797-C-G.
Other names: c.1492C>G, p.Arg498Gly (NM_001379141.1, NM_001379142.1); short protein forms R498G.
Identifiers: ClinVar variation 1661760 (VCV001661760.33), dbSNP rs548105094, ClinGen allele CA8945628.
Genomic context (GRCh38, chr18:44,950,832, plus strand): 5'-GTTGGCCTTGAAACTGGTGGAAATGCTGAGAAAGTTATCCCAGGAGGTGTGTCTAAGCCG[C>G]GGAAGCCACCCATGGTCATGACACCTCCAACGTGCACAGATCACTCTCCATCCAGAAAGC-3'
Protein context (NP_056374.2, residues 488-508): KVIPGGVSKP[Arg498Gly]KPPMVMTPPT

ClinVar aggregate classification (germline): Benign/Likely benign. Review status: criteria provided, multiple submitters, no conflicts (2 of 4 stars). 3 submissions from 3 submitters: Benign (1); Likely benign (2). Last evaluated 2025-10-29.

gnomAD v4.1: 65 of 1,614,012 alleles (0.004%); highest among the groups gnomAD compares: Middle Eastern, 0.016%; no homozygotes.

Submissions (3):

Labcorp Genetics (formerly Invitae), Labcorp
Classification: Benign. Last evaluated: 2025-10-29. Review status: criteria provided, single submitter. Criteria: Invitae Variant Classification Sherloc (09022015). Collection method: clinical testing. Allele origin: germline.

CeGaT Center for Human Genetics Tuebingen
Classification: Likely benign. Last evaluated: 2024-06-01. Review status: criteria provided, single submitter. Criteria: CeGaT Center For Human Genetics Tuebingen Variant Classification Criteria Version 2. Collection method: clinical testing. Allele origin: germline. Affected: yes. Observed: 2 variant alleles.
Comment: SETBP1: BP4, BS1

Blueprint Genetics
Classification: Likely benign. Last evaluated: 2023-11-15. Review status: criteria provided, single submitter. Criteria: ACMG Guidelines, 2015. Collection method: clinical testing. Allele origin: germline.